The following is an entry in ClinVar:

NM_004304.5(ALK):c.2183_2184insCTGGTG (p.Val728_Pro729insTrpTrp)

Gene: ALK (ALK receptor tyrosine kinase; minus strand). Cytogenetic location: 2p23.2.
Variant type: Insertion.
Coding change: c.2183_2184insCTGGTG on transcript NM_004304.5 (MANE Select); coding-DNA positions 2183 to 2184, CTGGTG inserted.
Protein change: p.Val728_Pro729insTrpTrp.
Molecular consequence: inframe insertion.
Genome position: GRCh38 VCF-style: chr2-29251125-C-CCACCAG. GRCh37 (hg19) VCF-style: chr2-29473991-C-CCACCAG.
Other names: c.2183_2184insCTGGTG (NM_004304.4).
Identifiers: ClinVar variation 2893747 (VCV002893747.4), dbSNP rs756215740, ClinGen allele CA1594418.

ClinVar aggregate classification (germline): Uncertain significance. Review status: criteria provided, multiple submitters, no conflicts (2 of 4 stars). 2 submissions from 2 submitters: Uncertain significance (2). Last evaluated 2024-12-17.

Conditions:
Hereditary cancer-predisposing syndrome. Also called: Neoplastic Syndromes, Hereditary; Tumor predisposition; Hereditary neoplastic syndrome; Hereditary Cancer Syndrome. Identifiers: Orphanet 140162, MedGen C0027672, MeSH D009386, MONDO:0015356.
Neuroblastoma, susceptibility to, 3. Also called: ALK-Related Neuroblastic Tumor Susceptibility. Identifiers: Orphanet 635, MedGen C2751681, MONDO:0013083, OMIM 613014.

Allele frequency attached by ClinVar (database versions not stated): gnomAD exomes below 0.00001; ExAC 0.00001; TOPMed 0.00001.

Submissions (2):

Ambry Genetics
Classification: Uncertain significance for Hereditary cancer-predisposing syndrome. Last evaluated: 2024-12-17. Review status: criteria provided, single submitter. Criteria: Ambry Variant Classification Scheme 2023. Collection method: clinical testing. Allele origin: germline.
Comment: The c.2183_2184insCTGGTG variant (also known as p.V728_P729insWW), located in coding exon 12 of the ALK gene, results from an in-frame CTGGTG insertion at nucleotide positions 2183 to 2184. This results in the insertion of two extra tryptophan residues between codons 728 and 729. This amino acid region is well conserved in available vertebrate species. In addition, this alteration is predicted to be deleterious by in silico analysis (Choi Y et al. PLoS ONE. 2012; 7(10):e46688). Based on the available evidence, the clinical significance of this variant remains unclear.

Labcorp Genetics (formerly Invitae), Labcorp
Classification: Uncertain significance for Neuroblastoma, susceptibility to, 3. Last evaluated: 2022-11-06. Review status: criteria provided, single submitter. Criteria: Invitae Variant Classification Sherloc (09022015). Collection method: clinical testing. Allele origin: germline.
Comment: In summary, the available evidence is currently insufficient to determine the role of this variant in disease. Therefore, it has been classified as a Variant of Uncertain Significance. This variant has not been reported in the literature in individuals affected with ALK-related conditions. This variant is present in population databases (rs756215740, gnomAD 0.006%). This variant, c.2183_2184insCTGGTG, results in the insertion of 2 amino acid(s) of the ALK protein (p.Val728_Pro729insTrpTrp), but otherwise preserves the integrity of the reading frame.